The following is an entry in ClinVar:

ClinVar aggregate classification (germline): Uncertain significance (1 of 4 stars; one submission).

Conditions:
Hypertrophic cardiomyopathy 26. Also called: Cardiomyopathy, familial hypertrophic, 26. Identifiers: Orphanet 75249, MedGen C4310749, MONDO:0014883, OMIM 617047.
Myofibrillar myopathy 5. Also called: FILAMINOPATHY, AUTOSOMAL DOMINANT; Filaminopathy (type). Identifiers: Orphanet 171445, MedGen C1836050, MONDO:0012289, OMIM 609524.
Distal myopathy with posterior leg and anterior hand involvement. Also called: WILLIAMS DISTAL MYOPATHY. Identifiers: Orphanet 63273, MedGen C3279722, MONDO:0013550, OMIM 614065.

Submission:

Labcorp Genetics (formerly Invitae), Labcorp
Classification: Uncertain significance for Distal myopathy with posterior leg and anterior hand involvement; Myofibrillar myopathy 5; Hypertrophic cardiomyopathy 26. Last evaluated: 2019-06-27. Review status: criteria provided, single submitter. Criteria: Invitae Variant Classification Sherloc (09022015). Collection method: clinical testing. Allele origin: germline.
Comment: In summary, the available evidence is currently insufficient to determine the role of this variant in disease. Therefore, it has been classified as a Variant of Uncertain Significance. Algorithms developed to predict the effect of missense changes on protein structure and function (SIFT, PolyPhen-2, Align-GVGD) all suggest that this variant is likely to be tolerated, but these predictions have not been confirmed by published functional studies and their clinical significance is uncertain. This variant has not been reported in the literature in individuals with FLNC-related conditions. This variant is not present in population databases (ExAC no frequency). This sequence change replaces valine with isoleucine at codon 1328 of the FLNC protein (p.Val1328Ile). The valine residue is highly conserved and there is a small physicochemical difference between valine and isoleucine.

NM_001458.5(FLNC):c.3982G>A (p.Val1328Ile)

Gene: FLNC (filamin C; plus strand). Cytogenetic location: 7q32.1.
Variant type: single nucleotide variant.
Coding change: c.3982G>A on transcript NM_001458.5 (MANE Select); coding-DNA position 3982, G replaced by A.
Protein change: p.Val1328Ile; replaces valine 1328 with isoleucine.
Molecular consequence: missense variant.
Genome position (GRCh38, 1-based): chr7:128,846,318, G>A. VCF-style: chr7-128846318-G-A. GRCh37 (hg19) VCF-style: chr7-128486372-G-A.
Other names: c.3982G>A, p.Val1328Ile (NM_001127487.2); short protein forms V1328I.
Identifiers: ClinVar variation 652031 (VCV000652031.11), dbSNP rs1585161584, ClinGen allele CA369198872.